The following is an entry in ClinVar:

NM_000283.4(PDE6B):c.2323A>G (p.Ile775Val)

Gene: PDE6B (phosphodiesterase 6B; plus strand). Cytogenetic location: 4p16.3.
Variant type: single nucleotide variant.
Coding change: c.2323A>G on transcript NM_000283.4 (MANE Select); coding-DNA position 2323, A replaced by G.
Protein change: p.Ile775Val; replaces isoleucine 775 with valine.
Molecular consequence: missense variant.
Genome position (GRCh38, 1-based): chr4:666,585, A>G. VCF-style: chr4-666585-A-G. GRCh37 (hg19) VCF-style: chr4-660374-A-G.
Other names: c.2323A>G, p.Ile775Val (NM_001145291.2); c.1486A>G, p.Ile496Val (NM_001145292.2, NM_001350154.3, NM_001379246.1 and 1 more transcripts); c.1168A>G, p.Ile390Val (NM_001350155.3); c.2323A>G (NM_000283.3); short protein forms I775V, I390V, I496V.
Identifiers: ClinVar variation 2191681 (VCV002191681.5), dbSNP rs369040252, ClinGen allele CA2795007.
Genomic context (GRCh38, chr4:666,585, plus strand): 5'-CACCAGCCTATGATGGACCGGAACAAGGCGGCCGAGCTCCCCAAGCTGCAAGTGGGCTTC[A>G]TCGACTTCGTGTGCACATTCGTGTACAAGGCGAGTGGTTCACGGGTGTTCCGAGCTGACT-3'
Protein context (NP_000274.3, residues 765-785): AELPKLQVGF[Ile775Val]DFVCTFVYKE

ClinVar aggregate classification (germline): Uncertain significance. Review status: criteria provided, multiple submitters, no conflicts (2 of 4 stars). 2 submissions from 2 submitters: Uncertain significance (2). Last evaluated 2026-04-13.

Conditions:
PDE6B-related disorder. Also called: PDE6B-related disease; PDE6B-related condition; PDE6B-related disorders.

Allele frequency attached by ClinVar (database versions not stated): gnomAD exomes 0.00001; ExAC 0.00003; gnomAD 0.00005; ESP Exome Variant Server 0.00008; TOPMed 0.00009.
gnomAD v4.1: 13 of 1,612,714 alleles (0.00081%); highest among the groups gnomAD compares: African/African-American, 0.012%; no homozygotes.

Submissions (2):

PreventionGenetics, part of Exact Sciences
Classification: Uncertain significance for PDE6B-related condition. Last evaluated: 2026-04-13. Review status: criteria provided, single submitter. Criteria: ACMG Guidelines, 2015. Collection method: clinical testing. Allele origin: germline.
Comment: The PDE6B c.2323A>G variant is predicted to result in the amino acid substitution p.Ile775Val. To our knowledge, this variant has not been reported in the literature. This variant is reported in 0.020% of alleles in individuals of African descent in gnomAD. At this time, the clinical significance of this variant is uncertain due to the absence of conclusive functional and genetic evidence.

Labcorp Genetics (formerly Invitae), Labcorp
Classification: Uncertain significance. Last evaluated: 2025-11-12. Review status: criteria provided, single submitter. Criteria: Invitae Variant Classification Sherloc (09022015). Collection method: clinical testing. Allele origin: germline.
Comment: This sequence change replaces isoleucine, which is neutral and non-polar, with valine, which is neutral and non-polar, at codon 775 of the PDE6B protein (p.Ile775Val). This variant is present in population databases (rs369040252, gnomAD 0.02%). This variant has not been reported in the literature in individuals affected with PDE6B-related conditions. ClinVar contains an entry for this variant (Variation ID: 2191681). Invitae Evidence Modeling of protein sequence and biophysical properties (such as structural, functional, and spatial information, amino acid conservation, physicochemical variation, residue mobility, and thermodynamic stability) has been performed for this missense variant. However, the output from this modeling did not meet the statistical confidence thresholds required to predict the impact of this variant on PDE6B protein function. In summary, the available evidence is currently insufficient to determine the role of this variant in disease. Therefore, it has been classified as a Variant of Uncertain Significance.